The following is an entry in ClinVar:

ClinVar aggregate classification (germline): Uncertain significance (1 of 4 stars; one submission).

Allele frequency attached by ClinVar (database versions not stated): gnomAD exomes below 0.00001; ExAC 0.00002; TOPMed 0.00002.
gnomAD v4.1: 3 of 1,205,035 alleles (0.00025%); highest among the groups gnomAD compares: East Asian, 0.0089%; no homozygotes.

Submission:

Labcorp Genetics (formerly Invitae), Labcorp
Classification: Uncertain significance. Last evaluated: 2022-09-29. Review status: criteria provided, single submitter. Criteria: Invitae Variant Classification Sherloc (09022015). Collection method: clinical testing. Allele origin: germline.
Comment: Algorithms developed to predict the effect of missense changes on protein structure and function (SIFT, PolyPhen-2, Align-GVGD) all suggest that this variant is likely to be tolerated. In summary, the available evidence is currently insufficient to determine the role of this variant in disease. Therefore, it has been classified as a Variant of Uncertain Significance. This sequence change replaces isoleucine, which is neutral and non-polar, with valine, which is neutral and non-polar, at codon 641 of the CLCN5 protein (p.Ile641Val). The frequency data for this variant in the population databases is considered unreliable, as metrics indicate poor data quality at this position in the gnomAD database. This variant has not been reported in the literature in individuals affected with CLCN5-related conditions.

NM_001127898.4(CLCN5):c.2131A>G (p.Ile711Val)

Genes: CLCN5 (chloride voltage-gated channel 5; plus strand), LOC126863258 (BRD4-independent group 4 enhancer GRCh37_chrX:49854497-49855696; plus strand). Cytogenetic location: Xp11.23.
Variant type: single nucleotide variant.
Coding change: c.2131A>G on transcript NM_001127898.4 (MANE Select); coding-DNA position 2131, A replaced by G.
Protein change: p.Ile711Val; replaces isoleucine 711 with valine.
Molecular consequence: missense variant.
Genome position (GRCh38, 1-based): chrX:50,090,502, A>G. VCF-style: chrX-50090502-A-G. GRCh37 (hg19) VCF-style: chrX-49855159-A-G.
Other names: c.1921A>G, p.Ile641Val (NM_000084.5); c.2131A>G, p.Ile711Val (NM_001127899.4); c.1981A>G, p.Ile661Val (NM_001282163.2); short protein forms I641V, I711V, I661V.
Identifiers: ClinVar variation 2170283 (VCV002170283.3), dbSNP rs782502811, ClinGen allele CA10413956.
Genomic context (GRCh38, chrX:50,090,502, plus strand): 5'-CCAGTGGTGGTATCCCGGGAGTCCCAAAGACTTGTGGGCTTTGTCCTCCGAAGAGATCTC[A>G]TTATTTCAATTGGTAAGGATTTCAGAAAGGGGATAGTGGAATCCACTGTGGAACTCAATA-3'
Protein context (NP_001121370.1, residues 701-721): LVGFVLRRDL[Ile711Val]ISIENARKKQ